The following is an entry in ClinVar:

ClinVar aggregate classification (germline): Uncertain significance (1 of 4 stars; one submission).

Submission:

Dasa
Classification: Uncertain significance. Last evaluated: 2026-04-02. Review status: criteria provided, single submitter. Criteria: DASA Assertion Criteria. Collection method: clinical testing. Allele origin: germline.
Comment: NM_005633.4(SOS1):c.954_959del (p.Gly319_Ala320del) is an in-frame deletion predicted to remove amino acids from glycine at protein position 319 through alanine at protein position 320 without shifting the reading frame. This variant is absent from population databases. The currently available literature and clinical evidence are not sufficient to establish a definitive association between this variant and the reported condition. Therefore, this variant is classified as a variant of uncertain significance.

NM_005633.4(SOS1):c.954_959del (p.Gly319_Ala320del)

Gene: SOS1 (SOS Ras/Rac guanine nucleotide exchange factor 1; minus strand). Cytogenetic location: 2p22.1.
Variant type: Deletion.
Coding change: c.954_959del on transcript NM_005633.4 (MANE Select); coding-DNA positions 954 to 959, 6 bases deleted (TGGGGC; older notation c.954_959delTGGGGC).
Protein change: p.Gly319_Ala320del.
Molecular consequence: inframe deletion.
Genome position (GRCh38, 1-based): chr2:39,035,406-39,035,411, GCCCCA deleted on the plus strand (TGGGGC on the coding strand, the reverse complement: SOS1 is on the minus strand); deleting any 6 consecutive bases within chr2:39,035,406-39,035,412 gives the same sequence; the c. name uses the placement nearest the transcript's 3' end. VCF-style (leftmost placement, unchanged base first): chr2-39035405-TGCCCCA-T. GRCh37 (hg19) VCF-style: chr2-39262546-TGCCCCA-T.
Other names: c.933_938del, p.Gly312_Ala313del (NM_001382394.1); c.954_959del, p.Gly319_Ala320del (NM_001382395.1).
Identifiers: ClinVar variation 4884088 (VCV004884088.2).